The following is an entry in ClinVar:

NM_003128.3(SPTBN1):c.460A>G (p.Ile154Val)

Gene: SPTBN1 (spectrin beta, non-erythrocytic 1; plus strand). Cytogenetic location: 2p16.2.
Variant type: single nucleotide variant.
Coding change: c.460A>G on transcript NM_003128.3 (MANE Select); coding-DNA position 460, A replaced by G.
Protein change: p.Ile154Val; replaces isoleucine 154 with valine.
Molecular consequence: missense variant.
Genome position (GRCh38, 1-based): chr2:54,612,320, A>G. VCF-style: chr2-54612320-A-G. GRCh37 (hg19) VCF-style: chr2-54839457-A-G.
Other names: c.421A>G, p.Ile141Val (NM_178313.3); short protein forms I141V, I154V.
Identifiers: ClinVar variation 5030187 (VCV005030187.1).
Genomic context (GRCh38, chr2:54,612,320, plus strand): 5'-GGGTCCCATGACATCGTGGATGGAAACCACCGGCTGACCCTTGGCCTCATCTGGACCATC[A>G]TCCTGCGCTTCCAGGTAAGGGTCTCTGCCCAGGGTTGCTCAGAACTTAGGCCGACCTCTC-3'
Protein context (NP_003119.2, residues 144-164): RLTLGLIWTI[Ile154Val]LRFQIQDISV

ClinVar aggregate classification (germline): Uncertain significance (1 of 4 stars; one submission).

Conditions:
Inborn genetic diseases. Identifiers: MedGen C0950123, MeSH D030342.

Submission:

Ambry Genetics
Classification: Uncertain significance for Inborn genetic diseases. Last evaluated: 2026-07-09. Review status: criteria provided, single submitter. Criteria: Ambry Variant Classification Scheme 2023. Collection method: clinical testing. Allele origin: germline.
Comment: The c.460A>G (p.I154V) alteration is located in exon 4 (coding exon 3) of the SPTBN1 gene. This alteration results from a A to G substitution at nucleotide position 460, causing the isoleucine (I) at amino acid position 154 to be replaced by a valine (V). This variant was not reported in population-based cohorts in the Genome Aggregation Database (gnomAD). This amino acid position is highly conserved in available vertebrate species. This missense variant is located in a region that has a low rate of benign missense variation (Lek, 2016; Firth, 2009). This alteration is predicted to be deleterious by in silico analysis. Based on insufficient or conflicting evidence, the clinical significance of this alteration remains unclear.